The following is an entry in ClinVar:

NM_201548.5(CERKL):c.*347A>G

Genes: CERKL (CERK like autophagy regulator; minus strand), ITGA4 (integrin subunit alpha 4; plus strand). Cytogenetic location: 2q31.3.
Variant type: single nucleotide variant.
Coding change: c.*347A>G on transcript NM_201548.5 (MANE Select); 347 bases downstream of the stop codon, A replaced by G.
Molecular consequence: 3 prime UTR variant. On other transcripts: non-coding transcript variant (2).
Genome position (GRCh38, 1-based): chr2:181,537,837, T>C on the plus strand (A>G on the coding strand, the complement: CERKL is on the minus strand). VCF-style: chr2-181537837-T-C. GRCh37 (hg19) VCF-style: chr2-182402564-T-C.
Other names: c.*2310T>C (NM_000885.6); c.*347A>G (NM_001030311.3, NM_001030312.3, NM_001030313.3 and 1 more transcripts).
Identifiers: ClinVar variation 897633 (VCV000897633.4), dbSNP rs77496071, ClinGen allele CA2010306.

ClinVar aggregate classification (germline): Benign (1 of 4 stars; one submission).

Conditions:
Retinitis pigmentosa (RP). Identifiers: Orphanet 791, MedGen C0035334, MeSH D012174, MONDO:0019200, OMIM 268000. Inheritance: Autosomal dominant, autosomal recessive and X linked inheritance.

Allele frequency attached by ClinVar (database versions not stated): ExAC 0.00084; gnomAD exomes 0.00234 and 0.00371; 1000 Genomes Project 0.01737; gnomAD 0.01769 and 0.01923; 1000 Genomes Project 30x 0.01889; TOPMed 0.02053.
gnomAD v4.1: 3,481 of 488,766 alleles (0.71%); highest among the groups gnomAD compares: African/African-American, 6.2%; 96 homozygotes.

Submission:

Illumina Laboratory Services, Illumina
Classification: Benign for Retinitis pigmentosa. Last evaluated: 2017-04-27. Review status: criteria provided, single submitter. Criteria: ICSL Variant Classification Criteria 13 December 2019. Collection method: clinical testing. Allele origin: germline.
Comment: This variant was observed as part of a predisposition screen in an ostensibly healthy population. A literature search was performed for the gene, cDNA change, and amino acid change (where applicable). No publications were found based on this search. Allele frequency data from public databases was too high to be consistent with this variant causing disease. Therefore, this variant is classified as benign.